The following is an entry in ClinVar:

ClinVar aggregate classification (germline): Uncertain significance (1 of 4 stars; one submission).

Conditions:
Hereditary nonpolyposis colorectal neoplasms. Identifiers: MedGen C0009405, MeSH D003123.

Submission:

Labcorp Genetics (formerly Invitae), Labcorp
Classification: Uncertain significance for Hereditary nonpolyposis colorectal neoplasms. Last evaluated: 2024-06-06. Review status: criteria provided, single submitter. Criteria: Invitae Variant Classification Sherloc (09022015). Collection method: clinical testing. Allele origin: germline.
Comment: This sequence change falls in intron 6 of the MSH6 gene. It does not directly change the encoded amino acid sequence of the MSH6 protein. It affects a nucleotide within the consensus splice site. This variant is not present in population databases (gnomAD no frequency). This variant has not been reported in the literature in individuals affected with MSH6-related conditions. Variants that disrupt the consensus splice site are a relatively common cause of aberrant splicing (PMID: 17576681, 9536098). RNA analysis performed to evaluate the impact of this variant on mRNA splicing indicates it does not significantly alter splicing (Invitae). In summary, the available evidence is currently insufficient to determine the role of this variant in disease. Therefore, it has been classified as a Variant of Uncertain Significance.

Literature cited by the submitters: PubMed 17576681; PubMed 9536098.

NM_000179.3(MSH6):c.3556+4A>C

Gene: MSH6 (mutS homolog 6; plus strand). Cytogenetic location: 2p16.3.
Variant type: single nucleotide variant.
Coding change: c.3556+4A>C on transcript NM_000179.3 (MANE Select); 4 bases into the intron after coding-DNA position 3556, A replaced by C.
Molecular consequence: intron variant.
Genome position (GRCh38, 1-based): chr2:47,805,031, A>C. VCF-style: chr2-47805031-A-C. GRCh37 (hg19) VCF-style: chr2-48032170-A-C.
Other names: c.3556+4A>C (NM_001406809.1, NM_001406796.1, NM_001406808.1 and 1 more transcripts); c.2650+4A>C (NM_001406811.1, NM_001406814.1, NM_001281493.2 and 6 more transcripts); c.3259+4A>C (NM_001406805.1, NM_001406797.1, NM_001406801.1 and 10 more transcripts); c.3652+4A>C (NM_001406795.1, NM_001406802.1); c.3562+4A>C (NM_001406813.1); c.3031+4A>C (NM_001406807.1, NM_001406799.1, NM_001406806.1); c.3382+4A>C (NM_001406798.1); c.2692+4A>C (NM_001406803.1); and 7 more.
Identifiers: ClinVar variation 3633336 (VCV003633336.2).